The following is an entry in ClinVar:

NM_006576.4(AVIL):c.505A>T (p.Lys169Ter)

Gene: AVIL (advillin; minus strand). Cytogenetic location: 12q14.1.
Variant type: single nucleotide variant.
Coding change: c.505A>T on transcript NM_006576.4 (MANE Select); coding-DNA position 505, A replaced by T.
Protein change: p.Lys169Ter; replaces lysine 169 with a stop codon.
Molecular consequence: nonsense.
Genome position (GRCh38, 1-based): chr12:57,810,869, T>A on the plus strand (A>T on the coding strand, the complement: AVIL is on the minus strand). VCF-style: chr12-57810869-T-A. GRCh37 (hg19) VCF-style: chr12-58204652-T-A.
Other names: short protein forms K169*.
Identifiers: ClinVar variation 4845723 (VCV004845723.1).

ClinVar aggregate classification (germline): Likely pathogenic (1 of 4 stars; one submission).

Conditions:
Nephrotic syndrome, type 21. Identifiers: MedGen C5231498, MONDO:0032826, OMIM 618594.

gnomAD v4.1: 9 of 1,614,046 alleles (0.00056%); highest among the groups gnomAD compares: South Asian, 0.0088%; no homozygotes.

Submission:

First Genomix Gene Laboratory, Genetic Diagnostics Department
Classification: Likely pathogenic for Nephrotic syndrome, type 21. Last evaluated: 2025-01-22. Review status: criteria provided, single submitter. Criteria: ACMG Guidelines, 2015. Collection method: clinical testing. Allele origin: germline. Inheritance: Autosomal recessive inheritance. Affected: no. Observed: 1 variant allele.